The following is an entry in ClinVar:

ClinVar aggregate classification (germline): Likely benign. Review status: criteria provided, multiple submitters, no conflicts (2 of 4 stars). 3 submissions from 3 submitters: Likely benign (3). Last evaluated 2026-05-12.

Conditions:
Hereditary cancer-predisposing syndrome. Also called: Hereditary neoplastic syndrome; Neoplastic Syndromes, Hereditary; Hereditary Cancer Syndrome; Tumor predisposition. Identifiers: Orphanet 140162, MedGen C0027672, MeSH D009386, MONDO:0015356.
Cardiovascular phenotype. Identifiers: MedGen CN230736.
Neurofibromatosis, type 1 (NF1). Also called: Peripheral type neurofibromatosis; Neurofibromatosis, type I; VON RECKLINGHAUSEN DISEASE; NEUROFIBROMATOSIS, TYPE I, SOMATIC. Identifiers: Orphanet 636, MedGen C0027831, MONDO:0018975, OMIM 162200. Disease mechanism: loss of function.

Allele frequency attached by ClinVar (database versions not stated): gnomAD exomes below 0.00001; gnomAD 0.00001.
gnomAD v4.1: 3 of 1,611,268 alleles (0.00019%); highest among the groups gnomAD compares: African/African-American, 0.004%; no homozygotes.

Submissions (3):

Myriad Genetics, Inc.
Classification: Likely benign for Neurofibromatosis, type 1. Last evaluated: 2026-05-12. Review status: criteria provided, single submitter. Criteria: Myriad Autosomal Dominant, Autosomal Recessive and X-Linked Classification Criteria (2023). Collection method: clinical testing. Allele origin: unknown.
Comment: This variant is considered likely benign. This variant is intronic and is not expected to impact mRNA splicing.

Ambry Genetics
Classification: Likely benign for Cardiovascular phenotype; Hereditary cancer-predisposing syndrome. Last evaluated: 2025-11-26. Review status: criteria provided, single submitter. Criteria: Ambry Variant Classification Scheme 2023. Collection method: clinical testing. Allele origin: germline.

Labcorp Genetics (formerly Invitae), Labcorp
Classification: Likely benign for Neurofibromatosis, type 1. Last evaluated: 2025-09-24. Review status: criteria provided, single submitter. Criteria: Invitae Variant Classification Sherloc (09022015). Collection method: clinical testing. Allele origin: germline.

NM_001042492.3(NF1):c.1722-5T>C

Gene: NF1 (neurofibromin 1; plus strand). Cytogenetic location: 17q11.2.
Variant type: single nucleotide variant.
Coding change: c.1722-5T>C on transcript NM_001042492.3 (MANE Select); 5 bases into the intron before coding-DNA position 1722, T replaced by C.
Molecular consequence: intron variant.
Genome position (GRCh38, 1-based): chr17:31,223,439, T>C. VCF-style: chr17-31223439-T-C. GRCh37 (hg19) VCF-style: chr17-29550457-T-C.
Other names: c.1722-5T>C (NM_000267.4).
Identifiers: ClinVar variation 480133 (VCV000480133.15), dbSNP rs1458980212, ClinGen allele CA625469087.